The following is an entry in ClinVar:

ClinVar aggregate classification (germline): Uncertain significance. Review status: criteria provided, multiple submitters, no conflicts (2 of 4 stars). 2 submissions from 2 submitters: Uncertain significance (2). Last evaluated 2023-06-15.

Allele frequency attached by ClinVar (database versions not stated): TOPMed 0.00001.

Submissions (2):

Labcorp Genetics (formerly Invitae), Labcorp
Classification: Uncertain significance. Last evaluated: 2023-06-15. Review status: criteria provided, single submitter. Criteria: Invitae Variant Classification Sherloc (09022015). Collection method: clinical testing. Allele origin: germline.
Comment: This variant has not been reported in the literature in individuals affected with PAK3-related conditions. ClinVar contains an entry for this variant (Variation ID: 436147). Algorithms developed to predict the effect of missense changes on protein structure and function output the following: SIFT: "Not Available"; PolyPhen-2: "Benign"; Align-GVGD: "Not Available". The threonine amino acid residue is found in multiple mammalian species, which suggests that this missense change does not adversely affect protein function. In summary, the available evidence is currently insufficient to determine the role of this variant in disease. Therefore, it has been classified as a Variant of Uncertain Significance. This variant is not present in population databases (gnomAD no frequency). This sequence change replaces alanine, which is neutral and non-polar, with threonine, which is neutral and polar, at codon 490 of the PAK3 protein (p.Ala490Thr).

Genetic Services Laboratory, University of Chicago
Classification: Uncertain significance. Last evaluated: 2015-12-21. Review status: criteria provided, single submitter. Criteria: ACMG Guidelines, 2015. Collection method: clinical testing. Allele origin: germline. Affected: no.

NM_002578.5(PAK3):c.1468G>A (p.Ala490Thr)

Gene: PAK3 (p21 (RAC1) activated kinase 3; plus strand). Cytogenetic location: Xq23.
Variant type: single nucleotide variant.
Coding change: c.1468G>A on transcript NM_002578.5 (MANE Select); coding-DNA position 1468, G replaced by A.
Protein change: p.Ala490Thr; replaces alanine 490 with threonine.
Molecular consequence: missense variant. On other transcripts: non-coding transcript variant (2).
Genome position (GRCh38, 1-based): chrX:111,216,481, G>A. VCF-style: chrX-111216481-G-A. GRCh37 (hg19) VCF-style: chrX-110459709-G-A.
Other names: c.1468G>A, p.Ala490Thr (NM_001128166.3, NM_001128167.3, NM_001324325.2 and 5 more transcripts); c.1576G>A, p.Ala526Thr (NM_001128168.3); c.1531G>A, p.Ala511Thr (NM_001128172.2); c.1513G>A, p.Ala505Thr (NM_001128173.3, NM_001324327.2, NM_001324328.2 and 2 more transcripts); short protein forms A490T, A526T, A505T, A511T.
Identifiers: ClinVar variation 436147 (VCV000436147.9), dbSNP rs1295610191, ClinGen allele CA414241976.